The following is an entry in ClinVar:

ClinVar aggregate classification (germline): Uncertain significance (1 of 4 stars; one submission).

gnomAD v4.1: 18 of 1,209,703 alleles (0.0015%); highest among the groups gnomAD compares: Non-Finnish European, 0.002%; no homozygotes.

Submission:

Labcorp Genetics (formerly Invitae), Labcorp
Classification: Uncertain significance. Last evaluated: 2025-03-18. Review status: criteria provided, single submitter. Criteria: Invitae Variant Classification Sherloc (09022015). Collection method: clinical testing. Allele origin: germline.
Comment: This sequence change replaces isoleucine, which is neutral and non-polar, with valine, which is neutral and non-polar, at codon 743 of the NEXMIF protein (p.Ile743Val). This variant is present in population databases (rs141010616, gnomAD 0.005%), including at least one homozygous and/or hemizygous individual. This variant has not been reported in the literature in individuals affected with NEXMIF-related conditions. An algorithm developed to predict the effect of missense changes on protein structure and function outputs the following: PolyPhen-2: "Benign". The valine amino acid residue is found in multiple mammalian species, which suggests that this missense change does not adversely affect protein function. In summary, the available evidence is currently insufficient to determine the role of this variant in disease. Therefore, it has been classified as a Variant of Uncertain Significance.

NM_001008537.3(NEXMIF):c.2227A>G (p.Ile743Val)

Gene: NEXMIF (neurite extension and migration factor; minus strand). Cytogenetic location: Xq13.3.
Variant type: single nucleotide variant.
Coding change: c.2227A>G on transcript NM_001008537.3 (MANE Select); coding-DNA position 2227, A replaced by G.
Protein change: p.Ile743Val; replaces isoleucine 743 with valine.
Molecular consequence: missense variant.
Genome position (GRCh38, 1-based): chrX:74,742,330, T>C on the plus strand (A>G on the coding strand, the complement: NEXMIF is on the minus strand). VCF-style: chrX-74742330-T-C. GRCh37 (hg19) VCF-style: chrX-73962165-T-C.
Other names: short protein forms I743V.
Identifiers: ClinVar variation 4693202 (VCV004693202.1).